The following is an entry in ClinVar:

NM_000392.5(ABCC2):c.577-20G>A

Gene: ABCC2 (ATP binding cassette subfamily C member 2; plus strand). Cytogenetic location: 10q24.2.
Variant type: single nucleotide variant.
Coding change: c.577-20G>A on transcript NM_000392.5 (MANE Select); 20 bases into the intron before coding-DNA position 577, G replaced by A.
Molecular consequence: intron variant.
Genome position (GRCh38, 1-based): chr10:99,794,393, G>A. VCF-style: chr10-99794393-G-A. GRCh37 (hg19) VCF-style: chr10-101554150-G-A.
Other names: p.?.
Identifiers: ClinVar variation 1987403 (VCV001987403.5), dbSNP rs17222519, ClinGen allele CA5642938.
Genomic context (GRCh38, chr10:99,794,393, plus strand): 5'-AAAATCAGTTTCTGATTTTAGAGTCCCATGAAGTTCCTGTCTCCAATTGGTTTACATTTC[G>A]ATTTTTTTGTGTCTTTCAGAATCCATCATCCATAGCTTCATTCCTGAGTAGCATTACCTA-3'

ClinVar aggregate classification (germline): Benign. Review status: criteria provided, multiple submitters, no conflicts (2 of 4 stars). 2 submissions from 2 submitters: Benign (2). Last evaluated 2026-01-31.

Allele frequency attached by ClinVar (database versions not stated): ExAC 0.00249; 1000 Genomes Project 0.00679; gnomAD 0.00684; TOPMed 0.00771; 1000 Genomes Project 30x 0.00843; ESP Exome Variant Server 0.00869.
gnomAD v4.1: 2,209 of 1,611,562 alleles (0.14%); highest among the groups gnomAD compares: African/African-American, 2.4%; 23 homozygotes.

Submissions (2):

Labcorp Genetics (formerly Invitae), Labcorp
Classification: Benign. Last evaluated: 2026-01-31. Review status: criteria provided, single submitter. Criteria: Invitae Variant Classification Sherloc (09022015). Collection method: clinical testing. Allele origin: germline.

Mayo Clinic Laboratories, Mayo Clinic
Classification: Benign. Last evaluated: 2023-02-09. Review status: criteria provided, single submitter. Criteria: ACMG Guidelines, 2015. Collection method: clinical testing. Allele origin: germline. Observed: 5 variant alleles.
Comment: BA1, BP4, BP7